The following is an entry in ClinVar:

NM_022072.5(NSUN3):c.743+2T>G

Gene: NSUN3 (NOP2/Sun RNA methyltransferase 3; plus strand). Cytogenetic location: 3q11.2.
Variant type: single nucleotide variant.
Coding change: c.743+2T>G on transcript NM_022072.5 (MANE Select); the canonical splice donor site of the intron after coding-DNA position 743, T replaced by G.
Molecular consequence: splice donor variant.
Genome position (GRCh38, 1-based): chr3:94,095,156, T>G. VCF-style: chr3-94095156-T-G. GRCh37 (hg19) VCF-style: chr3-93814000-T-G.
Identifiers: ClinVar variation 1924357 (VCV001924357.5), dbSNP rs371770889, ClinGen allele CA79375742.

ClinVar aggregate classification (germline): Uncertain significance (1 of 4 stars; one submission).

Allele frequency attached by ClinVar (database versions not stated): gnomAD exomes below 0.00001; TOPMed below 0.00001.
gnomAD v4.1: 6 of 1,612,918 alleles (0.00037%); highest among the groups gnomAD compares: African/African-American, 0.0053%; no homozygotes.

Submission:

Labcorp Genetics (formerly Invitae), Labcorp
Classification: Uncertain significance. Last evaluated: 2024-03-01. Review status: criteria provided, single submitter. Criteria: Invitae Variant Classification Sherloc (09022015). Collection method: clinical testing. Allele origin: germline.
Comment: This sequence change affects a donor splice site in intron 5 of the NSUN3 gene. It is expected to disrupt RNA splicing. Variants that disrupt the donor or acceptor splice site typically lead to a loss of protein function (PMID: 16199547), however the current clinical and genetic evidence is not sufficient to establish whether loss-of-function variants in NSUN3 cause disease. This variant is not present in population databases (gnomAD no frequency). This variant has not been reported in the literature in individuals affected with NSUN3-related conditions. ClinVar contains an entry for this variant (Variation ID: 1924357). Algorithms developed to predict the effect of sequence changes on RNA splicing suggest that this variant may disrupt the consensus splice site. In summary, the available evidence is currently insufficient to determine the role of this variant in disease. Therefore, it has been classified as a Variant of Uncertain Significance.

Literature cited by the submitters: PubMed 16199547.